The following is an entry in ClinVar:

NM_000085.5(CLCNKB):c.1511C>T (p.Ala504Val)

Genes: CLCNKB (chloride voltage-gated channel Kb; plus strand), LOC106501713 (CLCNKB recombination region; plus strand). Cytogenetic location: 1p36.13.
Variant type: single nucleotide variant.
Coding change: c.1511C>T on transcript NM_000085.5 (MANE Select); coding-DNA position 1511, C replaced by T.
Protein change: p.Ala504Val; replaces alanine 504 with valine.
Molecular consequence: missense variant.
Genome position (GRCh38, 1-based): chr1:16,052,300, C>T. VCF-style: chr1-16052300-C-T. GRCh37 (hg19) VCF-style: chr1-16378795-C-T.
Other names: c.1004C>T, p.Ala335Val (NM_001165945.2); short protein forms A504V, A335V.
Identifiers: ClinVar variation 447092 (VCV000447092.6), dbSNP rs371971275, ClinGen allele CA623906.

ClinVar aggregate classification (germline): Uncertain significance. Review status: criteria provided, multiple submitters, no conflicts (2 of 4 stars). 4 submissions from 4 submitters: Uncertain significance (4). Last evaluated 2024-11-07.

Conditions:
Bartter disease type 3. Also called: Bartter syndrome type 3. Identifiers: Orphanet 112, Orphanet 93605, MedGen C1846343, MONDO:0011822, OMIM 607364.
Bartter disease type 4B. Also called: BARTTER SYNDROME, TYPE 4B; BARTTER SYNDROME, TYPE 4B, NEONATAL, WITH SENSORINEURAL DEAFNESS; Bartter syndrome, type 4b, digenic. Identifiers: Orphanet 112, MedGen C4310805, MONDO:0000909, OMIM 613090.

Allele frequency attached by ClinVar (database versions not stated): ExAC 0.00007; gnomAD 0.00007 and 0.00008; gnomAD exomes 0.00007 and 0.00010; ESP Exome Variant Server 0.00008; TOPMed 0.00010.
gnomAD v4.1: 155 of 1,613,068 alleles (0.0096%); highest among the groups gnomAD compares: Admixed American, 0.017%; no homozygotes.

Submissions (4):

Blueprint Genetics
Classification: Uncertain significance. Last evaluated: 2024-11-07. Review status: criteria provided, single submitter. Criteria: ACMG Guidelines, 2015. Collection method: clinical testing. Allele origin: germline.

Fulgent Genetics
Classification: Uncertain significance for Bartter disease type 3; Bartter disease type 4B. Last evaluated: 2024-04-23. Review status: criteria provided, single submitter. Criteria: ACMG Guidelines, 2015. Collection method: clinical testing. Allele origin: germline.

Labcorp Genetics (formerly Invitae), Labcorp
Classification: Uncertain significance. Last evaluated: 2022-08-05. Review status: criteria provided, single submitter. Criteria: Invitae Variant Classification Sherloc (09022015). Collection method: clinical testing. Allele origin: germline.
Comment: This sequence change replaces alanine, which is neutral and non-polar, with valine, which is neutral and non-polar, at codon 504 of the CLCNKB protein (p.Ala504Val). This variant is present in population databases (rs371971275, gnomAD 0.01%). This variant has not been reported in the literature in individuals affected with CLCNKB-related conditions. ClinVar contains an entry for this variant (Variation ID: 447092). Advanced modeling of protein sequence and biophysical properties (such as structural, functional, and spatial information, amino acid conservation, physicochemical variation, residue mobility, and thermodynamic stability) performed at Invitae indicates that this missense variant is expected to disrupt CLCNKB protein function. In summary, the available evidence is currently insufficient to determine the role of this variant in disease. Therefore, it has been classified as a Variant of Uncertain Significance.

Athena Diagnostics
Classification: Uncertain significance. Last evaluated: 2016-10-12. Review status: criteria provided, single submitter. Criteria: Athena Diagnostics Criteria. Collection method: clinical testing. Allele origin: germline.